The following is an entry in ClinVar:

NM_014915.3(ANKRD26):c.5025A>G (p.Ser1675=)

Gene: ANKRD26 (ankyrin repeat domain 26; minus strand). Cytogenetic location: 10p12.1.
Variant type: single nucleotide variant.
Coding change: c.5025A>G on transcript NM_014915.3 (MANE Select); coding-DNA position 5025, A replaced by G.
Protein change: p.Ser1675=; no amino-acid change (serine 1675 retained).
Molecular consequence: synonymous variant.
Genome position (GRCh38, 1-based): chr10:27,005,698, T>C on the plus strand (A>G on the coding strand, the complement: ANKRD26 is on the minus strand). VCF-style: chr10-27005698-T-C. GRCh37 (hg19) VCF-style: chr10-27294627-T-C.
Other names: c.5022A>G, p.Ser1674= (NM_001256053.2).
Identifiers: ClinVar variation 3869153 (VCV003869153.2).
Genomic context (GRCh38, chr10:27,005,698, plus strand): 5'-TTTCCAAACTAGATCTTGATTTAGATTTGACTCATCAGTAGACCCTAGAGGGGAAGCTAT[T>C]GATCCAGATTCCAATTCAGCAGCAGCTAGAATGAAAAAGAAAGAATTATATTCCTTACCT-3'
Protein context (NP_055730.2, residues 1665-1685): KEAAAELESG[Ser1675=]IASPLGSTDE

ClinVar aggregate classification (germline): Likely benign. Review status: criteria provided, multiple submitters, no conflicts (2 of 4 stars). 2 submissions from 2 submitters: Likely benign (2). Last evaluated 2025-02-24.

Conditions:
Inborn genetic diseases. Identifiers: MedGen C0950123, MeSH D030342.
ANKRD26-related disorder. Also called: ANKRD26-related condition.

gnomAD v4.1: 1 of 1,610,744 alleles (0.000062%); highest among the groups gnomAD compares: African/African-American, 0.0013%; no homozygotes.

Submissions (2):

PreventionGenetics, part of Exact Sciences
Classification: Likely benign for ANKRD26-related condition. Last evaluated: 2025-02-24. Review status: criteria provided, single submitter. Criteria: ACMG Guidelines, 2015. Collection method: clinical testing. Allele origin: germline.
Comment: This variant is classified as likely benign based on ACMG/AMP sequence variant interpretation guidelines (Richards et al. 2015 PMID: 25741868, with internal and published modifications).

Ambry Genetics
Classification: Likely benign for Inborn genetic diseases. Last evaluated: 2025-02-04. Review status: criteria provided, single submitter. Criteria: Ambry Variant Classification Scheme 2023. Collection method: clinical testing. Allele origin: germline.